The following is an entry in ClinVar:

GRCh37/hg19 22q11.1-11.21(chr22:16850000-18885000)x3

Genes: ADA2 (adenosine deaminase 2; minus strand), ATP6V1E1 (ATPase H+ transporting V1 subunit E1; minus strand), BCL2L13 (BCL2 like 13; plus strand), BID (BH3 interacting domain death agonist; minus strand), CCT8L2 (chaperonin containing TCP1 subunit 8 like 2; minus strand) and 12 more. Cytogenetic location: 22q11.1-11.21.
Variant type: copy number gain.
Change: copy number 3 (three copies instead of two) of chr22:16,850,000-18,885,000 (2.04 Mb, GRCh37 coordinates, 1-based), cytogenetic band 22q11.1-11.21.
Identifiers: ClinVar variation 1321995 (VCV001321995.1).

ClinVar aggregate classification (germline): Pathogenic (1 of 4 stars; one submission).

Submission:

HudsonAlpha Institute for Biotechnology
Classification: Pathogenic. Last evaluated: 2018-09-19. Review status: criteria provided, single submitter. Criteria: ACMG/ClinGen CNV Guidelines, 2019. Collection method: research. Allele origin: unknown. Affected: yes. Observed: 1 variant allele. Study: CSER-SouthSeq.
Comment: ACMG codes:2A(1), 3C (0.90), 4L(0.1)